The following is an entry in ClinVar:

ClinVar aggregate classification (germline): Uncertain significance (1 of 4 stars; one submission).

Submission:

GeneDx
Classification: Uncertain significance. Last evaluated: 2017-03-03. Review status: criteria provided, single submitter. Criteria: GeneDx Variant Classification (06012015). Collection method: clinical testing. Allele origin: germline. Affected: yes.
Comment: The L1891I variant in the CACNA1G gene has not been reported previously as a pathogenic variant, nor as a benign variant, to our knowledge. The L1891I variant is not observed in large population cohorts (Lek et al., 2016; 1000 Genomes Consortium et al., 2015; Exome Variant Server). The L1891I variant is a conservative amino acid substitution, which is not likely to impact secondary protein structure as these residues share similar properties. This substitution occurs at a position that is not conserved. In silico analysis is inconsistent in its predictions as to whether or not the variant is damaging to the protein structure/function. We interpret L1891I as a variant of uncertain significance.

NM_018896.5(CACNA1G):c.5671C>A (p.Leu1891Ile)

Gene: CACNA1G (calcium voltage-gated channel subunit alpha1 G; plus strand). Cytogenetic location: 17q21.33.
Variant type: single nucleotide variant.
Coding change: c.5671C>A on transcript NM_018896.5 (MANE Select); coding-DNA position 5671, C replaced by A.
Protein change: p.Leu1891Ile; replaces leucine 1891 with isoleucine.
Molecular consequence: missense variant. On other transcripts: non-coding transcript variant (5).
Genome position (GRCh38, 1-based): chr17:50,618,898, C>A. VCF-style: chr17-50618898-C-A. GRCh37 (hg19) VCF-style: chr17-48696259-C-A.
Other names: c.5617C>A, p.Leu1873Ile (NM_001256324.2, NM_198386.3); c.5692C>A, p.Leu1898Ile (NM_001256325.2); c.5536C>A, p.Leu1846Ile (NM_001256326.2, NM_001256330.2); c.5650C>A, p.Leu1884Ile (NM_001256327.2); c.5596C>A, p.Leu1866Ile (NM_001256328.2); c.5569C>A, p.Leu1857Ile (NM_001256329.2, NM_198376.3, NM_198379.3 and 2 more transcripts); c.5515C>A, p.Leu1839Ile (NM_001256331.2); c.5500C>A, p.Leu1834Ile (NM_001256332.2); and 7 more; short protein forms L1891I, L1839I, L1873I, L1898I, L1846I, L1855I, L1868I, L1884I.
Identifiers: ClinVar variation 423841 (VCV000423841.2), dbSNP rs1064796652, ClinGen allele CA16620481.